The following is an entry in ClinVar:

ClinVar aggregate classification (germline): Uncertain significance (1 of 4 stars; one submission).

Submission:

CeGaT Center for Human Genetics Tuebingen
Classification: Uncertain significance. Last evaluated: 2022-08-01. Review status: criteria provided, single submitter. Criteria: CeGaT Center For Human Genetics Tuebingen Variant Classification Criteria Version 2. Collection method: clinical testing. Allele origin: germline. Affected: yes. Observed: 1 variant allele.
Comment: SPTLC1: PM2

NM_006415.4(SPTLC1):c.541del (p.Arg181fs)

Gene: SPTLC1 (serine palmitoyltransferase long chain base subunit 1; minus strand). Cytogenetic location: 9q22.31.
Variant type: Deletion.
Coding change: c.541del on transcript NM_006415.4 (MANE Select); coding-DNA position 541, one base deleted (A; older notation c.541delA).
Protein change: p.Arg181fs; shifts the reading frame from arginine 181.
Molecular consequence: frameshift variant.
Genome position (GRCh38, 1-based): chr9:92,067,985, T deleted on the plus strand (A on the coding strand, the reverse complement: SPTLC1 is on the minus strand); the first of 4 consecutive T bases (chr9:92,067,985-92,067,988); deleting any one gives the same sequence. VCF-style (leftmost placement, unchanged base first): chr9-92067984-CT-C. GRCh37 (hg19) VCF-style: chr9-94830266-CT-C.
Other names: c.541del, p.Arg181fs (NM_001281303.2); c.175del, p.Arg59fs (NM_001368272.1); c.76del, p.Arg26fs (NM_001368273.1); short protein forms R181fs, R26fs, R59fs.
Identifiers: ClinVar variation 2659303 (VCV002659303.24), dbSNP rs2538446033, ClinGen allele CA2695201594.